The following is an entry in ClinVar:

ClinVar aggregate classification (germline): Pathogenic/Likely pathogenic. Review status: criteria provided, multiple submitters, no conflicts (2 of 4 stars). 4 submissions from 4 submitters: Pathogenic (3); Likely pathogenic (1). Last evaluated 2024-09-29.

Conditions:
Marfan syndrome (MFS). Also called: FBN1-Related Marfan Syndrome; Marfan's syndrome; MARFAN SYNDROME, TYPE I; Marfan syndrome type 1; Marfan syndrome, classic. Identifiers: Orphanet 284963, Orphanet 558, MedGen C0024796, MONDO:0007947, OMIM 154700.
Familial thoracic aortic aneurysm and aortic dissection (TAAD). Also called: Thoracic aortic aneurysms and dissections. Identifiers: Orphanet 91387, MedGen C4707243, MONDO:0019625.

Submissions (4):

Labcorp Genetics (formerly Invitae), Labcorp
Classification: Pathogenic for Marfan syndrome; Familial thoracic aortic aneurysm and aortic dissection. Last evaluated: 2024-09-29. Review status: criteria provided, single submitter. Criteria: Invitae Variant Classification Sherloc (09022015). Collection method: clinical testing. Allele origin: germline.
Comment: This sequence change affects a donor splice site in intron 39 of the FBN1 gene. It is expected to disrupt RNA splicing. Variants that disrupt the donor or acceptor splice site typically lead to a loss of protein function (PMID: 16199547), and loss-of-function variants in FBN1 are known to be pathogenic (PMID: 17657824, 19293843). This variant is not present in population databases (gnomAD no frequency). Disruption of this splice site has been observed in individuals with Marfan syndrome (PMID: 21542060; internal data). ClinVar contains an entry for this variant (Variation ID: 811710). Algorithms developed to predict the effect of sequence changes on RNA splicing suggest that this variant may disrupt the consensus splice site. For these reasons, this variant has been classified as Pathogenic.

All of Us Research Program, National Institutes of Health
Classification: Likely pathogenic for Marfan syndrome. Last evaluated: 2023-06-08. Review status: criteria provided, single submitter. Criteria: ACMG Guidelines, 2015. Collection method: clinical testing. Allele origin: germline. Inheritance: Autosomal dominant inheritance. Observed: 1 variant allele, 1 heterozygote.
Comment: This variant causes a T to C nucleotide substitution at the +2 position of intron 39 of the FBN1 gene. Splice site prediction tools predict that this variant may have a significant impact on RNA splicing. Although this prediction has not been confirmed in published RNA studies, this variant is expected to result in an absent or disrupted protein product. This variant has been reported in an individual with features of Marfan syndrome, who had three family members also with Marfan syndrome-related features (PMID: 32371921). This variant has not been identified in the general population by the Genome Aggregation Database (gnomAD). Different variants (c.4816+1G>A, c.4816+1G>T) that are predicted to impact the same splice site have been reported in multiple individuals affected with Marfan syndrome (PMID: 21542060, 25907466, 31471346, ClinVar SCV001237065.4). Loss of FBN1 function is a known mechanism of disease. Based on the available evidence, this variant is classified as Likely Pathogenic.

This study involves interpretation of variants in research participants for the purpose of population health screening. Participant phenotype was not available at the time of variant classification. Additional details can be found in publication PMID: 35346344, PMCID: PMC8962531

GeneDx
Classification: Pathogenic. Last evaluated: 2022-04-08. Review status: criteria provided, single submitter. Criteria: GeneDx Variant Classification Process June 2021. Collection method: clinical testing. Allele origin: germline. Affected: yes.
Comment: Canonical splice site variant expected to result in aberrant splicing, although in the absence of functional evidence the actual effect of this sequence change is unknown.; Aberrant splicing is a known mechanism of disease for Marfan syndrome (HGMD); Not observed at significant frequency in large population cohorts (gnomAD); This variant is associated with the following publications: (PMID: 19293843, 17657824, 31447099)

ARUP Laboratories, Molecular Genetics and Genomics, ARUP Laboratories
Classification: Pathogenic. Last evaluated: 2018-07-12. Review status: criteria provided, single submitter. Criteria: ARUP Molecular Germline Variant Investigation Process. Collection method: clinical testing. Allele origin: germline.
Comment: The FBN1 c.4816+2T>C variant, to our knowledge, is not described in the medical literature or in gene-specific database. It is also absent from general population databases (1000 Genomes Project, Exome Variant Server, and Genome Aggregation Database), indicating it is not a common polymorphism. This variant abolishes the splice donor site of intron 38 and is predicted to alter splicing (Alamut v.2.11). Additionally, another variant in the donor site of 38 (c.4816+1G>T) has been reported in individuals with Marfan syndrome and is considered pathogenic (Baetens 2011). Based on available information, the c.4816+2T>C variant is considered pathogenic. References: Baetens M et al. Applying massive parallel sequencing to molecular diagnosis of Marfan and Loeys-Dietz syndromes. Hum Mutat. 2011 Sep;32(9):1053-62.

Literature cited by the submitters: PubMed 16199547 (cited by Labcorp Genetics (formerly Invitae), Labcorp); PubMed 17657824 (cited by Labcorp Genetics (formerly Invitae), Labcorp); PubMed 19293843 (cited by Labcorp Genetics (formerly Invitae), Labcorp); PubMed 21542060 (cited by Labcorp Genetics (formerly Invitae), Labcorp and All of Us Research Program, National Institutes of Health); PubMed 25907466 (cited by All of Us Research Program, National Institutes of Health); PubMed 31471346 (cited by All of Us Research Program, National Institutes of Health); PubMed 32371921 (cited by All of Us Research Program, National Institutes of Health).

NM_000138.5(FBN1):c.4816+2T>C

Gene: FBN1 (fibrillin 1; minus strand). Cytogenetic location: 15q21.1.
Variant type: single nucleotide variant.
Coding change: c.4816+2T>C on transcript NM_000138.5 (MANE Select); the canonical splice donor site of the intron after coding-DNA position 4816, T replaced by C.
Molecular consequence: splice donor variant.
Genome position (GRCh38, 1-based): chr15:48,465,788, A>G on the plus strand (T>C on the coding strand, the complement: FBN1 is on the minus strand). VCF-style: chr15-48465788-A-G. GRCh37 (hg19) VCF-style: chr15-48757985-A-G.
Other names: c.4816+2T>C (NM_001406716.1).
Identifiers: ClinVar variation 811710 (VCV000811710.19), dbSNP rs1597547226, ClinGen allele CA392351515.